The following is an entry in ClinVar:

GRCh38/hg38 1p36.33-36.32(chr1:844347-3006252)x1

Genes: ACAP3 (ArfGAP with coiled-coil, ankyrin repeat and PH domains 3; minus strand), AGRN (agrin; plus strand), ANKRD65 (ankyrin repeat domain 65; minus strand), ANKRD65-AS1 (ANKRD65 antisense RNA 1; plus strand), ATAD3A (ATPase family AAA domain containing 3A; plus strand) and 250 more. Cytogenetic location: 1p36.33-36.32.
Variant type: copy number loss.
Change: copy number 1 (one copy instead of two) of chr1:844,347-3,006,252 (2.16 Mb, GRCh38 coordinates, 1-based), cytogenetic band 1p36.33-36.32.
Identifiers: ClinVar variation 57201 (VCV000057201.1).

ClinVar aggregate classification (germline): Pathogenic (1 of 4 stars; one submission).

Submission:

ISCA site 4
Classification: Pathogenic. Last evaluated: 2011-08-12. Review status: criteria provided, single submitter. Criteria: Kaminsky et al. (Genet Med. 2011). Collection method: clinical testing. Allele origin: unknown. Affected: yes. Observed: 1 variant allele.
Comment: Copy number variation identified through the course of routine clinical cytogenomic testing in postnatal populations. Clinical assertions have been curated as described in Kaminsky et al. 2011.